The following is an entry in ClinVar:

NM_000170.3(GLDC):c.1708-1G>A

Gene: GLDC (glycine decarboxylase; minus strand). Cytogenetic location: 9p24.1.
Variant type: single nucleotide variant.
Coding change: c.1708-1G>A on transcript NM_000170.3 (MANE Select); the canonical splice acceptor site of the intron before coding-DNA position 1708, G replaced by A.
Molecular consequence: splice acceptor variant.
Genome position (GRCh38, 1-based): chr9:6,587,284, C>T on the plus strand (G>A on the coding strand, the complement: GLDC is on the minus strand). VCF-style: chr9-6587284-C-T. GRCh37 (hg19) VCF-style: chr9-6587284-C-T.
Identifiers: ClinVar variation 4068665 (VCV004068665.2).
Genomic context (GRCh38, chr9:6,587,284, plus strand): 5'-TTGAGCTTGATCCAGAGGCACAAAGGGGTGGATGTTTGCAAATTCTTTCCATGTGATAGG[C>T]TGAAAAGAAAGAAAACAAAAATGCATATATACATATTATAATAGCAATAGCAATAATAAC-3'

ClinVar aggregate classification (germline): Likely pathogenic (1 of 4 stars; one submission).

Conditions:
Glycine encephalopathy. Also called: Nonketotic hyperglycinemia; Non-ketotic hyperglycinemia. Identifiers: Orphanet 407, MedGen C0751748, MONDO:0011612, HP:0008288.

gnomAD v4.1: 1 of 1,612,046 alleles (0.000062%); highest among the groups gnomAD compares: Non-Finnish European, 0.000085%; no homozygotes.

Submission:

Natera, Inc.
Classification: Likely pathogenic for Non-ketotic hyperglycinemia. Last evaluated: 2025-04-11. Review status: criteria provided, single submitter. Criteria: Natera Variant Classification Schema (03/2026). Collection method: clinical testing. Allele origin: germline.
Comment: The c.1708-1G>A variant in GLDC is a canonical splice acceptor site variant predicted to affect pre-mRNA splicing, which may result in an abnormal transcript and altered protein product. This variant is expected to result in nonsense mediated decay, truncation, or a dysfunctional protein product. This variant is rare in the general population with a frequency below the threshold expected for the associated phenotype(s). Given the available evidence, this variant is classified as Likely Pathogenic.